The following is an entry in ClinVar:

ClinVar aggregate classification (germline): Conflicting classifications of pathogenicity. Review status: criteria provided, conflicting classifications (1 of 4 stars). 4 submissions from 4 submitters: Uncertain significance (2); Likely benign (2). Last evaluated 2025-02-11.

Conditions:
PKD1-related disorder. Also called: PKD1-related condition.
Polycystic kidney disease, adult type (PKD1). Also called: Polycystic Kidney, Autosomal Dominant; Polycystic Kidney Disease 1, Autosomal Dominant; Polycystic kidney disease 1; Polycystic kidney disease 1, severe; POLYCYSTIC KIDNEY DISEASE 1 WITH OR WITHOUT POLYCYSTIC LIVER DISEASE; POLYCYSTIC KIDNEY DISEASE, ADULT, TYPE I. Identifiers: MedGen C3149841, MONDO:0008263, OMIM 173900.

Allele frequency attached by ClinVar (database versions not stated): gnomAD 0.00005 and 0.00006; ExAC 0.00011; ESP Exome Variant Server 0.00017.
gnomAD v4.1: 144 of 1,584,882 alleles (0.0091%); highest among the groups gnomAD compares: Admixed American, 0.014%; 1 homozygote.

Submissions (4):

PreventionGenetics, part of Exact Sciences
Classification: Likely benign for PKD1-related condition. Last evaluated: 2025-02-11. Review status: criteria provided, single submitter. Criteria: ACMG Guidelines, 2015. Collection method: clinical testing. Allele origin: germline.
Comment: This variant is classified as likely benign based on ACMG/AMP sequence variant interpretation guidelines (Richards et al. 2015 PMID: 25741868, with internal and published modifications).

Blueprint Genetics
Classification: Likely benign. Last evaluated: 2024-11-22. Review status: criteria provided, single submitter. Criteria: ACMG Guidelines, 2015. Collection method: clinical testing. Allele origin: germline.

Fulgent Genetics
Classification: Uncertain significance for Polycystic kidney disease, adult type. Last evaluated: 2021-10-20. Review status: criteria provided, single submitter. Criteria: ACMG Guidelines, 2015. Collection method: clinical testing. Allele origin: unknown.

ARUP Laboratories, Molecular Genetics and Genomics, ARUP Laboratories
Classification: Uncertain significance for Polycystic kidney disease, adult type. Last evaluated: 2020-04-20. Review status: criteria provided, single submitter. Criteria: ARUP Molecular Germline Variant Investigation Process. Collection method: clinical testing. Allele origin: germline.
Comment: The PKD1 c.8045C>T; p.Ser2682Leu variant (rs151308544), to our knowledge, is not reported in the medical literature, but it is reported as a variant of indeterminate clinical significance in the Mayo ADPKD Database (see link). This variant is found in the general population with an overall allele frequency of 0.01% (13/177870 alleles) in the Genome Aggregation Database. The serine at codon 2682 is highly conserved, but computational analyses (SIFT, PolyPhen-2) predict that this variant is tolerated. Given the lack of clinical and functional data, the significance of the p.Ser2682Leu variant is uncertain at this time. References: Mayo ADPKD Database

NM_001009944.3(PKD1):c.8045C>T (p.Ser2682Leu)

Gene: PKD1 (polycystin 1, transient receptor potential channel interacting; minus strand). Cytogenetic location: 16p13.3.
Variant type: single nucleotide variant.
Coding change: c.8045C>T on transcript NM_001009944.3 (MANE Select); coding-DNA position 8045, C replaced by T.
Protein change: p.Ser2682Leu; replaces serine 2682 with leucine.
Molecular consequence: missense variant.
Genome position (GRCh38, 1-based): chr16:2,104,614, G>A on the plus strand (C>T on the coding strand, the complement: PKD1 is on the minus strand). VCF-style: chr16-2104614-G-A. GRCh37 (hg19) VCF-style: chr16-2154615-G-A.
Other names: c.8045C>T (NM_001009944.2); c.8045C>T, p.Ser2682Leu (NM_000296.4); short protein forms S2682L.
Identifiers: ClinVar variation 994150 (VCV000994150.11), dbSNP rs151308544, ClinGen allele CA7830740.